The following is an entry in ClinVar:

NM_000552.5(VWF):c.56-7C>T

Gene: VWF (von Willebrand factor; minus strand). Cytogenetic location: 12p13.31.
Variant type: single nucleotide variant.
Coding change: c.56-7C>T on transcript NM_000552.5 (MANE Select); 7 bases into the intron before coding-DNA position 56, C replaced by T.
Molecular consequence: intron variant.
Genome position (GRCh38, 1-based): chr12:6,121,345, G>A on the plus strand (C>T on the coding strand, the complement: VWF is on the minus strand). VCF-style: chr12-6121345-G-A. GRCh37 (hg19) VCF-style: chr12-6230511-G-A.
Other names: p.?; c.56-7C>T (NM_000552.4).
Identifiers: ClinVar variation 619938 (VCV000619938.6), dbSNP rs374802332, ClinGen allele CA6403911.

ClinVar aggregate classification (germline): Conflicting classifications of pathogenicity. Review status: criteria provided, conflicting classifications (1 of 4 stars). 4 submissions from 4 submitters: Uncertain significance (2); Likely benign (2). Last evaluated 2025-07-08.

Allele frequency attached by ClinVar (database versions not stated): gnomAD exomes 0.00002 and 0.00004; ExAC 0.00008; gnomAD 0.00021 and 0.00025; ESP Exome Variant Server 0.00031; TOPMed 0.00033.
gnomAD v4.1: 59 of 1,613,694 alleles (0.0037%); highest among the groups gnomAD compares: African/African-American, 0.068%; no homozygotes.

Submissions (4):

Mayo Clinic Laboratories, Mayo Clinic
Classification: Likely benign. Last evaluated: 2025-07-08. Review status: criteria provided, single submitter. Criteria: ACMG Guidelines, 2015. Collection method: clinical testing. Allele origin: germline. Observed: 1 variant allele.
Comment: BP4, BP7

Blueprint Genetics
Classification: Likely benign. Last evaluated: 2024-10-30. Review status: criteria provided, single submitter. Criteria: ACMG Guidelines, 2015. Collection method: clinical testing. Allele origin: germline.

Women's Health and Genetics/Laboratory Corporation of America, LabCorp
Classification: Uncertain significance. Last evaluated: 2023-12-05. Review status: criteria provided, single submitter. Criteria: LabCorp Variant Classification Summary - May 2015. Collection method: clinical testing. Allele origin: germline.
Comment: Variant summary: VWF c.56-7C>T alters a nucleotide located close to a canonical splice site and therefore could affect mRNA splicing, leading to a significantly altered protein sequence. Consensus agreement among computation tools predict no significant impact on normal splicing. However, these predictions have yet to be confirmed by functional studies. The variant allele was found at a frequency of 4e-05 in 249202 control chromosomes (gnomAD). To our knowledge, no occurrence of c.56-7C>T in individuals affected with Von Willebrand Disease and no experimental evidence demonstrating its impact on protein function have been reported. One submitter has cited clinical-significance assessments for this variant to ClinVar after 2014 and has classified the variant as uncertain significance. Based on the evidence outlined above, the variant was classified as uncertain significance.

Quest Diagnostics Nichols Institute San Juan Capistrano
Classification: Uncertain significance. Last evaluated: 2018-04-27. Review status: criteria provided, single submitter. Criteria: Quest Diagnostics criteria. Collection method: clinical testing. Allele origin: germline.